The following is an entry in ClinVar:

ClinVar aggregate classification (germline): Uncertain significance (1 of 4 stars; one submission).

Submission:

Ambry Genetics
Classification: Uncertain significance. Last evaluated: 2025-04-11. Review status: criteria provided, single submitter. Criteria: Ambry Variant Classification Scheme 2023. Collection method: clinical testing. Allele origin: germline.
Comment: The p.T29S variant (also known as c.85A>T), located in coding exon 1 of the FAM175A gene, results from an A to T substitution at nucleotide position 85. The threonine at codon 29 is replaced by serine, an amino acid with similar properties. This amino acid position is conserved. In addition, this alteration is predicted to be tolerated by in silico analysis. Since supporting evidence is limited at this time, the clinical significance of this alteration remains unclear.

NM_139076.3(ABRAXAS1):c.85A>T (p.Thr29Ser)

Genes: ABRAXAS1 (abraxas 1, BRCA1 A complex subunit; minus strand), LOC129992784 (ATAC-STARR-seq lymphoblastoid silent region 15542; plus strand). Cytogenetic location: 4q21.23.
Variant type: single nucleotide variant.
Coding change: c.85A>T on transcript NM_139076.3 (MANE Select); coding-DNA position 85, A replaced by T.
Protein change: p.Thr29Ser; replaces threonine 29 with serine.
Molecular consequence: missense variant. On other transcripts: 5 prime UTR variant (1).
Genome position (GRCh38, 1-based): chr4:83,484,988, T>A on the plus strand (A>T on the coding strand, the complement: ABRAXAS1 is on the minus strand). VCF-style: chr4-83484988-T-A. GRCh37 (hg19) VCF-style: chr4-84406141-T-A.
Other names: c.-176A>T (NM_001345962.2); short protein forms T29S.
Identifiers: ClinVar variation 2450249 (VCV002450249.3), dbSNP rs1723131693, ClinGen allele CA357263869.
Genomic context (GRCh38, chr4:83,484,988, plus strand): 5'-GGCCGCGCGCAGGGCTCTTCCCAGGCGACGCCGGACCCCGCCCCGTCCCTCGGCTCACCG[T>A]GTCCGAGTCCGTGTTGAGGTGCTGGAAAGCGAGTGCGCCGAGCACAAAGCCCGAGAGCAC-3'
Protein context (NP_620775.2, residues 19-39): AFQHLNTDSD[Thr29Ser]EGFLLGEVKG